The following is an entry in ClinVar:

ClinVar aggregate classification (germline): Uncertain significance (1 of 4 stars; one submission).

Submission:

Labcorp Genetics (formerly Invitae), Labcorp
Classification: Uncertain significance. Last evaluated: 2024-09-29. Review status: criteria provided, single submitter. Criteria: Invitae Variant Classification Sherloc (09022015). Collection method: clinical testing. Allele origin: germline.
Comment: This sequence change replaces cysteine, which is neutral and slightly polar, with arginine, which is basic and polar, at codon 289 of the MATN3 protein (p.Cys289Arg). This variant is not present in population databases (gnomAD no frequency). This variant has not been reported in the literature in individuals affected with MATN3-related conditions. Invitae Evidence Modeling of protein sequence and biophysical properties (such as structural, functional, and spatial information, amino acid conservation, physicochemical variation, residue mobility, and thermodynamic stability) indicates that this missense variant is not expected to disrupt MATN3 protein function with a negative predictive value of 80%. In summary, the available evidence is currently insufficient to determine the role of this variant in disease. Therefore, it has been classified as a Variant of Uncertain Significance.

NM_002381.5(MATN3):c.865T>C (p.Cys289Arg)

Genes: MATN3 (matrilin 3; minus strand), WDR35-DT (WDR35 divergent transcript; plus strand). Cytogenetic location: 2p24.1.
Variant type: single nucleotide variant.
Coding change: c.865T>C on transcript NM_002381.5 (MANE Select); coding-DNA position 865, T replaced by C.
Protein change: p.Cys289Arg; replaces cysteine 289 with arginine.
Molecular consequence: missense variant.
Genome position (GRCh38, 1-based): chr2:20,003,212, A>G on the plus strand (T>C on the coding strand, the complement: MATN3 is on the minus strand). VCF-style: chr2-20003212-A-G. GRCh37 (hg19) VCF-style: chr2-20202973-A-G.
Other names: short protein forms C289R.
Identifiers: ClinVar variation 3673900 (VCV003673900.2).
Genomic context (GRCh38, chr2:20,003,212, plus strand): 5'-AGGCCTCACCTGAACACGTTTTCTTGTCGGCATTCAAGGTGTATCCTTGGCTACACTCAC[A>G]GTGGTGCTTGCCTTCCCCATCACTGATGCAGACGTGCTGGCACTGGTGTGTTCCAAGCAC-3'
Protein context (NP_002372.1, residues 279-299): CISDGEGKHH[Cys289Arg]ECSQGYTLNA